The following is an entry in ClinVar:

NM_000318.3(PEX2):c.911C>T (p.Ala304Val)

Gene: PEX2 (peroxisomal biogenesis factor 2; minus strand). Cytogenetic location: 8q21.13.
Variant type: single nucleotide variant.
Coding change: c.911C>T on transcript NM_000318.3 (MANE Select); coding-DNA position 911, C replaced by T.
Protein change: p.Ala304Val; replaces alanine 304 with valine.
Molecular consequence: missense variant.
Genome position (GRCh38, 1-based): chr8:76,983,268, G>A on the plus strand (C>T on the coding strand, the complement: PEX2 is on the minus strand). VCF-style: chr8-76983268-G-A. GRCh37 (hg19) VCF-style: chr8-77895504-G-A.
Other names: c.911C>T, p.Ala304Val (NM_001079867.2, NM_001172086.2, NM_001172087.2); short protein forms A304V.
Identifiers: ClinVar variation 2084006 (VCV002084006.2), dbSNP rs558586088, ClinGen allele CA4788635.
Genomic context (GRCh38, chr8:76,983,268, plus strand): 5'-TTAAGAATTTAAACACGGTGCATTTTTTTCCTCAAAGGAAGCAATTTTAGTTTCTAAAGA[G>A]CATTTACTTCTGACATCTCGATTCCTGATTTCAGTGGCTGCAGACTGTGTACTTCTGTGC-3'
Protein context (NP_000309.2, residues 294-305): KSGIEMSEVN[Ala304Val]L

ClinVar aggregate classification (germline): Uncertain significance (1 of 4 stars; one submission).

Conditions:
Peroxisome biogenesis disorder 5A (Zellweger) (PBD5A). Identifiers: Orphanet 912, MedGen C3553940, MONDO:0013932, OMIM 614866.

Allele frequency attached by ClinVar (database versions not stated): gnomAD 0.00001; gnomAD exomes 0.00001; TOPMed 0.00001; ExAC 0.00002; 1000 Genomes Project 0.00040; 1000 Genomes Project 30x 0.00047.
gnomAD v4.1: 7 of 1,612,508 alleles (0.00043%); highest among the groups gnomAD compares: African/African-American, 0.0067%; no homozygotes.

Submission:

Labcorp Genetics (formerly Invitae), Labcorp
Classification: Uncertain significance for Peroxisome biogenesis disorder 5A (Zellweger). Last evaluated: 2022-06-28. Review status: criteria provided, single submitter. Criteria: Invitae Variant Classification Sherloc (09022015). Collection method: clinical testing. Allele origin: germline.
Comment: In summary, the available evidence is currently insufficient to determine the role of this variant in disease. Therefore, it has been classified as a Variant of Uncertain Significance. Algorithms developed to predict the effect of missense changes on protein structure and function output the following: SIFT: "Tolerated"; PolyPhen-2: "Benign"; Align-GVGD: "Class C0". The valine amino acid residue is found in multiple mammalian species, which suggests that this missense change does not adversely affect protein function. This variant has not been reported in the literature in individuals affected with PEX2-related conditions. This variant is present in population databases (rs558586088, gnomAD 0.03%). This sequence change replaces alanine, which is neutral and non-polar, with valine, which is neutral and non-polar, at codon 304 of the PEX2 protein (p.Ala304Val).